The following is an entry in ClinVar:

ClinVar aggregate classification (germline): Uncertain significance (1 of 4 stars; one submission).

Submission:

Labcorp Genetics (formerly Invitae), Labcorp
Classification: Uncertain significance. Last evaluated: 2025-07-10. Review status: criteria provided, single submitter. Criteria: Invitae Variant Classification Sherloc (09022015). Collection method: clinical testing. Allele origin: germline.
Comment: This sequence change replaces glutamic acid, which is acidic and polar, with glycine, which is neutral and non-polar, at codon 1203 of the MYH9 protein (p.Glu1203Gly). This variant is not present in population databases (gnomAD no frequency). This variant has not been reported in the literature in individuals affected with MYH9-related conditions. ClinVar contains an entry for this variant (Variation ID: 2869388). Invitae Evidence Modeling of protein sequence and biophysical properties (such as structural, functional, and spatial information, amino acid conservation, physicochemical variation, residue mobility, and thermodynamic stability) indicates that this missense variant is not expected to disrupt MYH9 protein function with a negative predictive value of 95%. In summary, the available evidence is currently insufficient to determine the role of this variant in disease. Therefore, it has been classified as a Variant of Uncertain Significance.

NM_002473.6(MYH9):c.3608A>G (p.Glu1203Gly)

Gene: MYH9 (myosin heavy chain 9; minus strand). Cytogenetic location: 22q12.3.
Variant type: single nucleotide variant.
Coding change: c.3608A>G on transcript NM_002473.6 (MANE Select); coding-DNA position 3608, A replaced by G.
Protein change: p.Glu1203Gly; replaces glutamic acid 1203 with glycine.
Molecular consequence: missense variant.
Genome position (GRCh38, 1-based): chr22:36,294,954, T>C on the plus strand (A>G on the coding strand, the complement: MYH9 is on the minus strand). VCF-style: chr22-36294954-T-C. GRCh37 (hg19) VCF-style: chr22-36691000-T-C.
Other names: short protein forms E1203G.
Identifiers: ClinVar variation 2869388 (VCV002869388.3), dbSNP rs2517962404, ClinGen allele CA411387367.
Genomic context (GRCh38, chr22:36,294,954, plus strand): 5'-CCCTGCCCTCCCCCTGCGGTCTCAGGGAGGCTCCGCACCCGCTTCGTCTGCTCCAGCTGC[T>C]CCGCCAGCTCCTCCACGGCCTGTGAGTGCTTCTGCCTCATCTCCTGGATCTGGGCCTCGT-3'
Protein context (NP_002464.1, residues 1193-1213): KHSQAVEELA[Glu1203Gly]QLEQTKRVKA